The following is an entry in ClinVar:

ClinVar aggregate classification (germline): Likely pathogenic (1 of 4 stars; one submission).

Conditions:
Epidermolysis bullosa, junctional 2A, intermediate. Also called: EPIDERMOLYSIS BULLOSA, JUNCTIONAL 2A, GENERALIZED INTERMEDIATE; EPIDERMOLYSIS BULLOSA, JUNCTIONAL 2A, NON-HERLITZ TYPE. Identifiers: MedGen C5676936, MONDO:0030746, OMIM 619783.
Epidermolysis bullosa, junctional 2B, severe. Also called: EPIDERMOLYSIS BULLOSA, JUNCTIONAL 2B, GENERALIZED SEVERE; EPIDERMOLYSIS BULLOSA, JUNCTIONAL 2B, HERLITZ TYPE. Identifiers: MedGen C5676937, MONDO:0030747, OMIM 619784.
Laryngo-onycho-cutaneous syndrome (JEB2C). Also called: EPIDERMOLYSIS BULLOSA, JUNCTIONAL 2C, LARYNGOONYCHOCUTANEOUS; LOGIC SYNDROME; SHABBIR SYNDROME. Identifiers: Orphanet 2407, MedGen C1328355, MONDO:0009513, OMIM 245660.

Submission:

Juno Genomics, Hangzhou Juno Genomics, Inc
Classification: Likely pathogenic for Epidermolysis bullosa, junctional 2A, intermediate; Epidermolysis bullosa, junctional 2B, severe; Laryngo-onycho-cutaneous syndrome. Review status: criteria provided, single submitter. Criteria: ACMG Guidelines, 2015. Collection method: clinical testing. Allele origin: germline. Affected: yes.
Comment: Null variant in a gene where loss of function (LOF) is a known mechanism of disease.;Absent from controls (or at extremely low frequency if recessive) in Genome Aggregation Database, Exome Sequencing Project, 1000 Genomes Project, or Exome Aggregation Consortium.

NM_198129.4(LAMA3):c.1789-1G>C

Gene: LAMA3 (laminin subunit alpha 3; plus strand). Cytogenetic location: 18q11.2.
Variant type: single nucleotide variant.
Coding change: c.1789-1G>C on transcript NM_198129.4 (MANE Select); the canonical splice acceptor site of the intron before coding-DNA position 1789, G replaced by C.
Molecular consequence: splice acceptor variant.
Genome position (GRCh38, 1-based): chr18:23,814,402, G>C. VCF-style: chr18-23814402-G-C. GRCh37 (hg19) VCF-style: chr18-21394366-G-C.
Other names: c.1789-1G>C (NM_001127717.4).
Identifiers: ClinVar variation 3381858 (VCV003381858.2).